The following is an entry in ClinVar:

ClinVar aggregate classification (germline): Likely benign (1 of 4 stars; one submission).

Allele frequency attached by ClinVar (database versions not stated): gnomAD exomes below 0.00001; ExAC 0.00001.
gnomAD v4.1: 1 of 1,605,394 alleles (0.000062%); no homozygotes.

Submission:

CeGaT Center for Human Genetics Tuebingen
Classification: Likely benign. Last evaluated: 2026-05-01. Review status: criteria provided, single submitter. Criteria: CeGaT Center For Human Genetics Tuebingen Variant Classification Criteria Version 2. Collection method: clinical testing. Allele origin: germline. Affected: yes. Observed: 2 variant alleles.
Comment: DCHS1: BP4, BP7

NM_003737.4(DCHS1):c.9411A>T (p.Ala3137=)

Gene: DCHS1 (dachsous cadherin-related 1; minus strand). Cytogenetic location: 11p15.4.
Variant type: single nucleotide variant.
Coding change: c.9411A>T on transcript NM_003737.4 (MANE Select); coding-DNA position 9411, A replaced by T.
Protein change: p.Ala3137=; no amino-acid change (alanine 3137 retained).
Molecular consequence: synonymous variant.
Genome position (GRCh38, 1-based): chr11:6,622,265, T>A on the plus strand (A>T on the coding strand, the complement: DCHS1 is on the minus strand). VCF-style: chr11-6622265-T-A. GRCh37 (hg19) VCF-style: chr11-6643496-T-A.
Identifiers: ClinVar variation 2641560 (VCV002641560.24), dbSNP rs761513230, ClinGen allele CA5859263.